The following is an entry in ClinVar:

ClinVar aggregate classification (germline): Uncertain significance (1 of 4 stars; one submission).

Conditions:
Cardiovascular phenotype. Identifiers: MedGen CN230736.

Submission:

Ambry Genetics
Classification: Uncertain significance for Cardiovascular phenotype. Last evaluated: 2026-08-10. Review status: criteria provided, single submitter. Criteria: Ambry Variant Classification Scheme 2023. Collection method: clinical testing. Allele origin: germline.
Comment: The p.A315T variant (also known as c.943G>A), located in coding exon 2 of the GDF2 gene, results from a G to A substitution at nucleotide position 943. The alanine at codon 315 is replaced by threonine, an amino acid with similar properties. This amino acid position is conserved. Based on the available evidence, the clinical significance of this variant remains unclear.

NM_016204.4(GDF2):c.943G>A (p.Ala315Thr)

Gene: GDF2 (growth differentiation factor 2; plus strand). Cytogenetic location: 10q11.22.
Variant type: single nucleotide variant.
Coding change: c.943G>A on transcript NM_016204.4 (MANE Select); coding-DNA position 943, G replaced by A.
Protein change: p.Ala315Thr; replaces alanine 315 with threonine.
Molecular consequence: missense variant.
Genome position (GRCh38, 1-based): chr10:47,325,437, G>A. VCF-style: chr10-47325437-G-A. GRCh37 (hg19) VCF-style: chr10-48413925-C-T.
Other names: short protein forms A315T.
Identifiers: ClinVar variation 5022268 (VCV005022268.1).